The following is an entry in ClinVar:

NM_001267550.2(TTN):c.45897G>C (p.Glu15299Asp)

Gene: TTN (titin; minus strand). Cytogenetic location: 2q31.2.
Variant type: single nucleotide variant.
Coding change: c.45897G>C on transcript NM_001267550.2 (MANE Select); coding-DNA position 45897, G replaced by C.
Protein change: p.Glu15299Asp; replaces glutamic acid 15299 with aspartic acid.
Molecular consequence: missense variant.
Genome position (GRCh38, 1-based): chr2:178,620,624, C>G on the plus strand (G>C on the coding strand, the complement: TTN is on the minus strand). VCF-style: chr2-178620624-C-G. GRCh37 (hg19) VCF-style: chr2-179485351-C-G.
Other names: c.40974G>C, p.Glu13658Asp (NM_001256850.1); c.18702G>C, p.Glu6234Asp (NM_003319.4); c.38193G>C, p.Glu12731Asp (NM_133378.4); c.19077G>C, p.Glu6359Asp (NM_133432.3); c.19278G>C, p.Glu6426Asp (NM_133437.4); short protein forms E6234D, E6426D, E6359D, E13658D, E12731D, E15299D.
Identifiers: ClinVar variation 1034242 (VCV001034242.1), dbSNP rs760431926, ClinGen allele CA1995338.

ClinVar aggregate classification (germline): Uncertain significance (1 of 4 stars; one submission).

Conditions:
Myopathy, myofibrillar, 9, with early respiratory failure (MFM9). Also called: Myopathy, distal, with early respiratory failure, autosomal dominant; EDSTROM MYOPATHY; MYOPATHY, PROXIMAL, WITH EARLY RESPIRATORY MUSCLE INVOLVEMENT; Hereditary myopathy with early respiratory failure. Identifiers: Orphanet 178464, Orphanet 34521, MedGen C1863599, MONDO:0011362, OMIM 603689.

Allele frequency attached by ClinVar (database versions not stated): gnomAD exomes below 0.00001 and 0.00001; ExAC 0.00001.
gnomAD v4.1: 3 of 1,605,738 alleles (0.00019%); highest among the groups gnomAD compares: Non-Finnish European, 0.00025%; no homozygotes.

Submission:

Baylor Genetics
Classification: Uncertain significance for Myopathy, myofibrillar, 9, with early respiratory failure. Last evaluated: 2018-03-30. Review status: criteria provided, single submitter. Criteria: ACMG Guidelines, 2015. Collection method: clinical testing. Allele origin: maternal. Affected: yes.
Comment: This variant was determined to be of uncertain significance according to ACMG Guidelines, 2015 [PMID:25741868].